The following is an entry in ClinVar:

NM_022124.6(CDH23):c.1859T>C (p.Val620Ala)

Gene: CDH23 (cadherin related 23; plus strand). Cytogenetic location: 10q22.1.
Variant type: single nucleotide variant.
Coding change: c.1859T>C on transcript NM_022124.6 (MANE Select); coding-DNA position 1859, T replaced by C.
Protein change: p.Val620Ala; replaces valine 620 with alanine.
Molecular consequence: missense variant.
Genome position (GRCh38, 1-based): chr10:71,682,445, T>C. VCF-style: chr10-71682445-T-C. GRCh37 (hg19) VCF-style: chr10-73442202-T-C.
Other names: c.1859T>C, p.Val620Ala (NM_001171930.2, NM_001171931.2); short protein forms V620A.
Identifiers: ClinVar variation 505365 (VCV000505365.6), dbSNP rs775889210, ClinGen allele CA5544008.

ClinVar aggregate classification (germline): Uncertain significance. Review status: criteria provided, multiple submitters, no conflicts (2 of 4 stars). 3 submissions from 3 submitters: Uncertain significance (2). 1 of the submissions does not count toward it. Last evaluated 2025-02-21.

Conditions:
Usher syndrome type 1 (USH1). Also called: RETINITIS PIGMENTOSA AND CONGENITAL DEAFNESS. Identifiers: Orphanet 231169, Orphanet 886, MedGen C1568247, MONDO:0010168, OMIM 276900.

Allele frequency attached by ClinVar (database versions not stated): TOPMed 0.00001; gnomAD exomes 0.00002 and 0.00001; gnomAD 0.00001; ExAC 0.00003.
gnomAD v4.1: 18 of 1,611,560 alleles (0.0011%); highest among the groups gnomAD compares: Non-Finnish European, 0.0014%; no homozygotes.

Submissions (3):

GeneDx
Classification: Uncertain significance. Last evaluated: 2025-02-21. Review status: criteria provided, single submitter. Criteria: GeneDx Variant Classification Process June 2021. Collection method: clinical testing. Allele origin: germline. Affected: yes.
Comment: Not observed at significant frequency in large population cohorts (gnomAD); In silico analysis supports that this missense variant has a deleterious effect on protein structure/function; This variant is associated with the following publications: (PMID: 32483926)

Laboratory for Molecular Medicine, Mass General Brigham Personalized Medicine
Classification: Uncertain significance. Last evaluated: 2016-11-08. Review status: criteria provided, single submitter. Criteria: LMM Criteria. Collection method: clinical testing. Allele origin: germline. Observed: 1 variant allele.
Comment: The p.Val620Ala variant in CDH23 has not been previously reported in individuals with hearing loss or Usher syndrome, but has been identified in 3/57332 Europea n chromosomes by the Exome Aggregation Consortium (ExAC; dbSNP rs775889210). Although this variant has been seen in the general population, its frequency is not high enough to rule out a pathogenic role. This variant is located in the first base of the exon, which is part of the 3? splic e region. Computational tools do not suggest an impact to splicing. However, thi s information is not predictive enough to rule out pathogenicity. Additional com putational prediction tools and conservation analysis suggest that the p.Val620A la variant may impact the protein, though this information is not predictive eno ugh to determine pathogenicity. In summary, the clinical significance of the p.V al620Ala variant is uncertain.

Natera, Inc.
Classification: Uncertain significance for Usher syndrome type 1. Last evaluated: 2019-10-28. Review status: no assertion criteria provided. Collection method: clinical testing. Allele origin: germline. Not counted in ClinVar's aggregate classification.